The following is an entry in ClinVar:

NM_001164508.2(NEB):c.496_499del (p.Gln166fs)

Gene: NEB (nebulin; minus strand). Cytogenetic location: 2q23.3.
Variant type: Deletion.
Coding change: c.496_499del on transcript NM_001164508.2 (MANE Select); coding-DNA positions 496 to 499, 4 bases deleted (CAAG; older notation c.496_499delCAAG).
Protein change: p.Gln166fs; shifts the reading frame from glutamine 166.
Molecular consequence: frameshift variant.
Genome position (GRCh38, 1-based): chr2:151,724,865-151,724,868, CTTG deleted on the plus strand (CAAG on the coding strand, the reverse complement: NEB is on the minus strand); deleting any 4 consecutive bases within chr2:151,724,865-151,724,870 gives the same sequence; the c. name uses the placement nearest the transcript's 3' end. VCF-style (leftmost placement, unchanged base first): chr2-151724864-ACTTG-A. GRCh37 (hg19) VCF-style: chr2-152581378-ACTTG-A.
Other names: c.496_499del, p.Gln166fs (NM_001164507.2, NM_001271208.2, NM_004543.5); short protein forms Q166fs.
Identifiers: ClinVar variation 647587 (VCV000647587.13), dbSNP rs1340063197, ClinGen allele CA758895063.

ClinVar aggregate classification (germline): Pathogenic/Likely pathogenic. Review status: criteria provided, multiple submitters, no conflicts (2 of 4 stars). 3 submissions from 3 submitters: Pathogenic (1); Likely pathogenic (2). Last evaluated 2024-06-05.

Conditions:
Nemaline myopathy 2 (NEM2). Also called: Nemaline myopathy 2, autosomal recessive. Identifiers: MedGen C1850569, MONDO:0009725, OMIM 256030.
Arthrogryposis multiplex congenita 6. Identifiers: MedGen C5543431, MONDO:0030281, OMIM 619334.

Submissions (3):

Fulgent Genetics
Classification: Likely pathogenic for Nemaline myopathy 2; Arthrogryposis multiplex congenita 6. Last evaluated: 2024-06-05. Review status: criteria provided, single submitter. Criteria: ACMG Guidelines, 2015. Collection method: clinical testing. Allele origin: germline.

Baylor Genetics
Classification: Likely pathogenic for Arthrogryposis multiplex congenita 6. Last evaluated: 2024-02-28. Review status: criteria provided, single submitter. Criteria: ACMG Guidelines, 2015. Collection method: clinical testing. Allele origin: unknown.

Labcorp Genetics (formerly Invitae), Labcorp
Classification: Pathogenic for Nemaline myopathy 2. Last evaluated: 2019-05-03. Review status: criteria provided, single submitter. Criteria: Invitae Variant Classification Sherloc (09022015). Collection method: clinical testing. Allele origin: germline.
Comment: This variant is not present in population databases (ExAC no frequency). This sequence change creates a premature translational stop signal (p.Gln166Serfs*61) in the NEB gene. It is expected to result in an absent or disrupted protein product. This variant has not been reported in the literature in individuals with NEB-related disease. Experimental studies and prediction algorithms are not available for this variant, and the functional significance of the affected amino acid(s) is currently unknown. Loss-of-function variants in NEB are known to be pathogenic (PMID: 25205138). For these reasons, this variant has been classified as Pathogenic.

Literature cited by the submitters: PubMed 25205138 (cited by Labcorp Genetics (formerly Invitae), Labcorp).